The following is an entry in ClinVar:

ClinVar aggregate classification (germline): Benign/Likely benign. Review status: criteria provided, multiple submitters, no conflicts (2 of 4 stars). 2 submissions from 2 submitters: Benign (1); Likely benign (1). Last evaluated 2024-10-23.

Conditions:
Birt-Hogg-Dube syndrome 1 (BHD1). Also called: FIBROFOLLICULOMAS WITH TRICHODISCOMAS AND ACROCHORDONS. Identifiers: Orphanet 122, MedGen CN375946, MONDO:0800445, OMIM 135150.
Hereditary cancer-predisposing syndrome. Also called: Hereditary Cancer Syndrome; Neoplastic Syndromes, Hereditary; Tumor predisposition; Hereditary neoplastic syndrome. Identifiers: Orphanet 140162, MedGen C0027672, MeSH D009386, MONDO:0015356.

Submissions (2):

Myriad Genetics, Inc.
Classification: Benign for Birt-Hogg-Dube syndrome 1. Last evaluated: 2024-10-23. Review status: criteria provided, single submitter. Criteria: Myriad Autosomal Dominant, Autosomal Recessive and X-Linked Classification Criteria (2023). Collection method: clinical testing. Allele origin: unknown.
Comment: This variant is considered benign. This variant is a silent/synonymous amino acid change and it is not expected to impact splicing.

Ambry Genetics
Classification: Likely benign for Hereditary cancer-predisposing syndrome. Last evaluated: 2019-09-28. Review status: criteria provided, single submitter. Criteria: Ambry Variant Classification Scheme 2023. Collection method: clinical testing. Allele origin: germline.

NM_144997.7(FLCN):c.483C>T (p.Ser161=)

Gene: FLCN (folliculin; minus strand). Cytogenetic location: 17p11.2.
Variant type: single nucleotide variant.
Coding change: c.483C>T on transcript NM_144997.7 (MANE Select); coding-DNA position 483, C replaced by T.
Protein change: p.Ser161=; no amino-acid change (serine 161 retained).
Molecular consequence: synonymous variant.
Genome position (GRCh38, 1-based): chr17:17,224,057, G>A on the plus strand (C>T on the coding strand, the complement: FLCN is on the minus strand). VCF-style: chr17-17224057-G-A. GRCh37 (hg19) VCF-style: chr17-17127371-G-A.
Other names: c.537C>T, p.Ser179= (NM_001353229.2); c.483C>T, p.Ser161= (NM_001353230.2, NM_001353231.2, NM_144606.7).
Identifiers: ClinVar variation 1743485 (VCV001743485.3), dbSNP rs2144979033, ClinGen allele CA498166430.
Genomic context (GRCh38, chr17:17,224,057, plus strand): 5'-GTAGATCCGGTCCATCATGATGGTGATGATGCTGTACCAGCGCTGGAAGCCCCTGGCCAG[G>A]CTGTCCTTGATGAAGAAGGTGTGGCTGAACACAAAGCCGTGCTGCTCATCTCCGAAGAAG-3'
Protein context (NP_659434.2, residues 151-171): VFSHTFFIKD[Ser161=]LARGFQRWYS